The following is an entry in ClinVar:

ClinVar aggregate classification (germline): Likely pathogenic (1 of 4 stars; one submission).

Conditions:
Mucopolysaccharidosis, MPS-II (MPS2). Also called: Hunter Syndrome; IDURONATE 2-SULFATASE DEFICIENCY; Mucopolysaccharidosis Type II; Mucopolysaccharidosis type 2; Attenuated MPS (subtype; formerly known as mild MPS II); Severe MPS II. Identifiers: Orphanet 580, Orphanet 79388, MedGen C0026705, MONDO:0010674, OMIM 309900.

Submission:

Laboratory of Diagnosis and Therapy of Lysosomal Disorders, University of Padova
Classification: Likely pathogenic for Mucopolysaccharidosis, MPS-II. Last evaluated: 2024-06-07. Review status: criteria provided, single submitter. Criteria: ACMG Guidelines, 2015. Collection method: literature only. Allele origin: germline. Affected: yes. Observed: 3 variant alleles.
Comment: Absent from controls (or at low frequency) in gnomAD database (PM2_Moderate), Cosegregation with disease in multiple affected family members (PP1_Moderate), Missense variant in a gene with a low rate of benign missense variation (PP2_Supporting), Multiple lines of computational evidence support a deleterious effect (PP3_Supporting), Patient’s phenotype or family history highly specific for the disease (PP4_Moderate)

Classification method: ACMG Guidelines [PMID:25741868] with modifications

Literature cited by the submitters: PubMed 21834048.

NM_000202.8(IDS):c.1034G>T (p.Trp345Leu)

Genes: IDS (iduronate 2-sulfatase; minus strand), LOC106050102 (IDS recombination region; plus strand). Cytogenetic location: Xq28.
Variant type: single nucleotide variant.
Coding change: c.1034G>T on transcript NM_000202.8 (MANE Select); coding-DNA position 1034, G replaced by T.
Protein change: p.Trp345Leu; replaces tryptophan 345 with leucine.
Molecular consequence: missense variant.
Genome position (GRCh38, 1-based): chrX:149,487,071, C>A on the plus strand (G>T on the coding strand, the complement: IDS is on the minus strand). VCF-style: chrX-149487071-C-A. GRCh37 (hg19) VCF-style: chrX-148568602-C-A.
Other names: c.764G>T, p.Trp255Leu (NM_001166550.4); short protein forms W255L, W345L.
Identifiers: ClinVar variation 3255932 (VCV003255932.2).
Genomic context (GRCh38, chrX:149,487,071, plus strand): 5'-CCAGGAACATAGAATATCAGGGGAACATGGGTAGCAACATCAAAATTGCTGTATTTGGCC[C>A]ATTCTCCATGTTCACCTAGAGCCCACCCTAGTTCATAAAAAGCACAGAATGACAGAAAAT-3'
Protein context (NP_000193.1, residues 335-355): HGWALGEHGE[Trp345Leu]AKYSNFDVAT